The following is an entry in ClinVar:

ClinVar aggregate classification (germline): Uncertain significance. Review status: criteria provided, multiple submitters, no conflicts (2 of 4 stars). 4 submissions from 4 submitters: Uncertain significance (4). Last evaluated 2024-07-01.

Conditions:
Inborn genetic diseases. Identifiers: MedGen C0950123, MeSH D030342.

Allele frequency attached by ClinVar (database versions not stated): gnomAD 0.00001 and 0.00002; gnomAD exomes 0.00001 and 0.00002; ExAC 0.00002; TOPMed 0.00002; 1000 Genomes Project 30x 0.00016; 1000 Genomes Project 0.00020.
gnomAD v4.1: 23 of 1,613,914 alleles (0.0014%); highest among the groups gnomAD compares: Middle Eastern, 0.05%; no homozygotes.

Submissions (4):

CeGaT Center for Human Genetics Tuebingen
Classification: Uncertain significance. Last evaluated: 2024-07-01. Review status: criteria provided, single submitter. Criteria: CeGaT Center For Human Genetics Tuebingen Variant Classification Criteria Version 2. Collection method: clinical testing. Allele origin: germline. Affected: yes. Observed: 1 variant allele.
Comment: MYH14: PP3

Ambry Genetics
Classification: Uncertain significance for Inborn genetic diseases. Last evaluated: 2023-10-06. Review status: criteria provided, single submitter. Criteria: Ambry Variant Classification Scheme 2023. Collection method: clinical testing. Allele origin: germline.

GeneDx
Classification: Uncertain significance. Last evaluated: 2021-02-24. Review status: criteria provided, single submitter. Criteria: GeneDx Variant Classification Process June 2021. Collection method: clinical testing. Allele origin: germline. Affected: yes.
Comment: In silico analysis supports that this missense variant has a deleterious effect on protein structure/function; Has not been previously published as pathogenic or benign to our knowledge

Laboratory for Molecular Medicine, Mass General Brigham Personalized Medicine
Classification: Uncertain significance. Last evaluated: 2017-07-20. Review status: criteria provided, single submitter. Criteria: LMM Criteria. Collection method: clinical testing. Allele origin: germline. Observed: 1 variant allele.
Comment: The p.Arg1850Trp variant in MYH14 has not been previously reported in individual s with hearing loss, but has been identified in 2/17248 East Asian chromosomes b y the Genome Aggregation Database (gnomAD; dbS NP rs201474958). Although this variant has been seen in the general population, its frequency is not high enough to rule out a pathogenic role. Computational pr ediction tools and conservation analysis suggest that the p.Arg1850Trp variant m ay impact the protein, though this information is not predictive enough to deter mine pathogenicity. In summary, the clinical significance of the p.Arg1850Trp va riant is uncertain.

NM_001145809.2(MYH14):c.5548C>T (p.Arg1850Trp)

Gene: MYH14 (myosin heavy chain 14; plus strand). Cytogenetic location: 19q13.33.
Variant type: single nucleotide variant.
Coding change: c.5548C>T on transcript NM_001145809.2 (MANE Select); coding-DNA position 5548, C replaced by T.
Protein change: p.Arg1850Trp; replaces arginine 1850 with tryptophan.
Molecular consequence: missense variant.
Genome position (GRCh38, 1-based): chr19:50,301,739, C>T. VCF-style: chr19-50301739-C-T. GRCh37 (hg19) VCF-style: chr19-50804996-C-T.
Other names: c.5449C>T, p.Arg1817Trp (NM_001077186.2); c.5425C>T, p.Arg1809Trp (NM_024729.4); short protein forms R1850W, R1809W, R1817W.
Identifiers: ClinVar variation 517482 (VCV000517482.24), dbSNP rs201474958, ClinGen allele CA9593843.